The following is an entry in ClinVar:

NM_000264.5(PTCH1):c.575T>G (p.Met192Arg)

Gene: PTCH1 (patched 1; minus strand). Cytogenetic location: 9q22.32.
Variant type: single nucleotide variant.
Coding change: c.575T>G on transcript NM_000264.5 (MANE Select); coding-DNA position 575, T replaced by G.
Protein change: p.Met192Arg; replaces methionine 192 with arginine.
Molecular consequence: missense variant. On other transcripts: non-coding transcript variant (1).
Genome position (GRCh38, 1-based): chr9:95,485,694, A>C on the plus strand (T>G on the coding strand, the complement: PTCH1 is on the minus strand). VCF-style: chr9-95485694-A-C. GRCh37 (hg19) VCF-style: chr9-98247976-A-C.
Other names: c.377T>G, p.Met126Arg (NM_001083602.3, NM_001354919.2); c.572T>G, p.Met191Arg (NM_001083603.3); c.122T>G, p.Met41Arg (NM_001083604.3, NM_001083605.3, NM_001083606.3 and 1 more transcripts); c.575T>G, p.Met192Arg (NM_001354918.2); short protein forms M191R, M126R, M41R, M192R.
Identifiers: ClinVar variation 2626229 (VCV002626229.2), dbSNP rs2538266462, ClinGen allele CA374116595.

ClinVar aggregate classification (germline): Uncertain significance (1 of 4 stars; one submission).

Conditions:
Hereditary cancer-predisposing syndrome. Also called: Tumor predisposition; Hereditary Cancer Syndrome; Hereditary neoplastic syndrome; Neoplastic Syndromes, Hereditary. Identifiers: Orphanet 140162, MedGen C0027672, MeSH D009386, MONDO:0015356.

Submission:

Ambry Genetics
Classification: Uncertain significance for Hereditary cancer-predisposing syndrome. Last evaluated: 2023-07-28. Review status: criteria provided, single submitter. Criteria: Ambry Variant Classification Scheme 2023. Collection method: clinical testing. Allele origin: germline.
Comment: The p.M192R variant (also known as c.575T>G), located in coding exon 3 of the PTCH1 gene, results from a T to G substitution at nucleotide position 575. The methionine at codon 192 is replaced by arginine, an amino acid with similar properties. This amino acid position is well conserved in available vertebrate species. In addition, this alteration is predicted to be deleterious by in silico analysis. Since supporting evidence is limited at this time, the clinical significance of this alteration remains unclear.